The following is an entry in ClinVar:

ClinVar aggregate classification (germline): Uncertain significance (1 of 4 stars; one submission).

Allele frequency attached by ClinVar (database versions not stated): gnomAD exomes below 0.00001; TOPMed below 0.00001; gnomAD 0.00001.
gnomAD v4.1: 3 of 1,614,114 alleles (0.00019%); highest among the groups gnomAD compares: African/African-American, 0.0013%; no homozygotes.

Submission:

Labcorp Genetics (formerly Invitae), Labcorp
Classification: Uncertain significance. Last evaluated: 2022-08-10. Review status: criteria provided, single submitter. Criteria: Invitae Variant Classification Sherloc (09022015). Collection method: clinical testing. Allele origin: germline.
Comment: In summary, the available evidence is currently insufficient to determine the role of this variant in disease. Therefore, it has been classified as a Variant of Uncertain Significance. Advanced modeling of protein sequence and biophysical properties (such as structural, functional, and spatial information, amino acid conservation, physicochemical variation, residue mobility, and thermodynamic stability) performed at Invitae indicates that this missense variant is not expected to disrupt LRP2 protein function. This variant has not been reported in the literature in individuals affected with LRP2-related conditions. This variant is not present in population databases (gnomAD no frequency). This sequence change replaces histidine, which is basic and polar, with tyrosine, which is neutral and polar, at codon 3593 of the LRP2 protein (p.His3593Tyr).

NM_004525.3(LRP2):c.10777C>T (p.His3593Tyr)

Gene: LRP2 (LDL receptor related protein 2; minus strand). Cytogenetic location: 2q31.1.
Variant type: single nucleotide variant.
Coding change: c.10777C>T on transcript NM_004525.3 (MANE Select); coding-DNA position 10777, C replaced by T.
Protein change: p.His3593Tyr; replaces histidine 3593 with tyrosine.
Molecular consequence: missense variant.
Genome position (GRCh38, 1-based): chr2:169,174,156, G>A on the plus strand (C>T on the coding strand, the complement: LRP2 is on the minus strand). VCF-style: chr2-169174156-G-A. GRCh37 (hg19) VCF-style: chr2-170030666-G-A.
Other names: short protein forms H3593Y.
Identifiers: ClinVar variation 1980624 (VCV001980624.4), dbSNP rs1687103132, ClinGen allele CA349145408.